The following is an entry in ClinVar:

ClinVar aggregate classification (germline): Likely benign (1 of 4 stars; one submission).

Allele frequency attached by ClinVar (database versions not stated): ExAC 0.00065; 1000 Genomes Project 0.00399.

Submission:

CeGaT Center for Human Genetics Tuebingen
Classification: Likely benign. Last evaluated: 2023-09-01. Review status: criteria provided, single submitter. Criteria: CeGaT Center For Human Genetics Tuebingen Variant Classification Criteria Version 2. Collection method: clinical testing. Allele origin: germline. Affected: yes. Observed: 1 variant allele.
Comment: RP11-467N20.5: PP2, BS2

NM_001396956.1(GOLGA6L22):c.2112G>A (p.Met704Ile)

Gene: GOLGA6L22 (golgin A6 family like 22; plus strand). Cytogenetic location: 15q11.2.
Variant type: single nucleotide variant.
Coding change: c.2112G>A on transcript NM_001396956.1 (MANE Select); coding-DNA position 2112, G replaced by A.
Protein change: p.Met704Ile; replaces methionine 704 with isoleucine.
Molecular consequence: missense variant.
Genome position (GRCh38, 1-based): chr15:22,466,372, G>A. VCF-style: chr15-22466372-G-A. GRCh37 (hg19) VCF-style: chr15-23406724-C-T.
Other names: c.2109G>A, p.Met703Ile (NM_001396957.1); short protein forms M703I, M704I.
Identifiers: ClinVar variation 2644962 (VCV002644962.23), dbSNP rs572890726, ClinGen allele CA7427338.